The following is an entry in ClinVar:

NM_000540.3(RYR1):c.11501T>G (p.Leu3834Arg)

Gene: RYR1 (ryanodine receptor 1; plus strand). Cytogenetic location: 19q13.2.
Variant type: single nucleotide variant.
Coding change: c.11501T>G on transcript NM_000540.3 (MANE Select); coding-DNA position 11501, T replaced by G.
Protein change: p.Leu3834Arg; replaces leucine 3834 with arginine.
Molecular consequence: missense variant.
Genome position (GRCh38, 1-based): chr19:38,535,377, T>G. VCF-style: chr19-38535377-T-G. GRCh37 (hg19) VCF-style: chr19-39026017-T-G.
Other names: c.11486T>G, p.Leu3829Arg (NM_001042723.2); short protein forms L3829R, L3834R.
Identifiers: ClinVar variation 3072770 (VCV003072770.1), dbSNP rs2514531920, ClinGen allele CA405656147.

ClinVar aggregate classification (germline): Uncertain significance (1 of 4 stars; one submission).

Conditions:
Malignant hyperthermia, susceptibility to, 1 (MHS1). Also called: Anesthesia related hyperthermia; Malignant hyperpyrexia; Fulminating hyperpyrexia; Pharmacogenic myopathy; RYR1-Related Malignant Hyperthermia Susceptibility; Malignant hyperthermia suceptibility 1. Identifiers: Orphanet 423, MedGen C2930980, MONDO:0007783, OMIM 145600.

Submission:

All of Us Research Program, National Institutes of Health
Classification: Uncertain significance for Malignant hyperthermia, susceptibility to, 1. Last evaluated: 2023-08-15. Review status: criteria provided, single submitter. Criteria: ACMG Guidelines, 2015. Collection method: clinical testing. Allele origin: germline. Inheritance: Autosomal dominant inheritance. Observed: 1 variant allele, 1 heterozygote.
Comment: This missense variant replaces leucine with arginine at codon 3834 of the RYR1 protein. Computational prediction suggests that this variant may have deleterious impact on protein structure and function (internally defined REVEL score threshold >= 0.7, PMID: 27666373). To our knowledge, functional studies have not been reported for this variant. This variant has not been reported in individuals affected with RYR1-related disorders in the literature. This variant has not been identified in the general population by the Genome Aggregation Database (gnomAD). The available evidence is insufficient to determine the role of this variant in disease conclusively. Therefore, this variant is classified as a Variant of Uncertain Significance.

This study involves interpretation of variants in research participants for the purpose of population health screening. Participant phenotype was not available at the time of variant classification. Additional details can be found in publication PMID: 35346344, PMCID: PMC8962531